The following is an entry in ClinVar:

NM_003888.4(ALDH1A2):c.1503G>A (p.Arg501=)

Gene: ALDH1A2 (aldehyde dehydrogenase 1 family member A2; minus strand). Cytogenetic location: 15q21.3.
Variant type: single nucleotide variant.
Coding change: c.1503G>A on transcript NM_003888.4 (MANE Select); coding-DNA position 1503, G replaced by A.
Protein change: p.Arg501=; no amino-acid change (arginine 501 retained).
Molecular consequence: synonymous variant.
Genome position (GRCh38, 1-based): chr15:57,955,251, C>T on the plus strand (G>A on the coding strand, the complement: ALDH1A2 is on the minus strand). VCF-style: chr15-57955251-C-T. GRCh37 (hg19) VCF-style: chr15-58247449-C-T.
Other names: c.1503G>A (NM_003888.3); c.1440G>A, p.Arg480= (NM_001206897.2); c.1389G>A, p.Arg463= (NM_170696.3); c.1215G>A, p.Arg405= (NM_170697.3).
Identifiers: ClinVar variation 1675576 (VCV001675576.35), dbSNP rs139785128, ClinGen allele CA7583717.
Genomic context (GRCh38, chr15:57,955,251, plus strand): 5'-GCCTTCTTAGGAGTTCTTCTGGGGGATCTTTACTGTCACCGTCTTAACTTCTGAGTACTC[C>T]CGCAAGCCAAATTCTCCCCTGAAACACAGAAATGGGCCGGGTCAGATACCAGAAGTCCAG-3'
Protein context (NP_003879.2, residues 491-511): NGREMGEFGL[Arg501=]EYSEVKTVTV

ClinVar aggregate classification (germline): Likely benign. Review status: criteria provided, multiple submitters, no conflicts (2 of 4 stars). 4 submissions from 4 submitters: Likely benign (3). 1 of the submissions does not count toward it. Last evaluated 2026-08-01.

Conditions:
ALDH1A2-related disorder. Also called: ALDH1A2-related condition.

Allele frequency attached by ClinVar (database versions not stated): TOPMed 0.00119; ESP Exome Variant Server 0.00123; gnomAD exomes 0.00124 and 0.00160; gnomAD 0.00136 and 0.00141; ExAC 0.00143; 1000 Genomes Project 30x 0.00172; 1000 Genomes Project 0.00200.
gnomAD v4.1: 2,041 of 1,614,060 alleles (0.13%); highest among the groups gnomAD compares: Middle Eastern, 0.41%; 7 homozygotes.

Submissions (4):

CeGaT Center for Human Genetics Tuebingen
Classification: Likely benign. Last evaluated: 2026-08-01. Review status: criteria provided, single submitter. Criteria: CeGaT Center For Human Genetics Tuebingen Variant Classification Criteria Version 2. Collection method: clinical testing. Allele origin: germline. Affected: yes. Observed: 6 variant alleles.
Comment: ALDH1A2: BP4, BP7

Blueprint Genetics
Classification: Likely benign. Last evaluated: 2024-11-14. Review status: criteria provided, single submitter. Criteria: ACMG Guidelines, 2015. Collection method: clinical testing. Allele origin: germline.

Breakthrough Genomics
Classification: Likely benign. Review status: criteria provided, single submitter. Criteria: ACMG Guidelines, 2015. Collection method: not provided. Allele origin: germline. Inheritance: Autosomal recessive inheritance. Affected: yes.

PreventionGenetics, part of Exact Sciences
Classification: Likely benign for ALDH1A2-related condition. Last evaluated: 2019-03-25. Review status: no assertion criteria provided. Collection method: clinical testing. Allele origin: germline. Not counted in ClinVar's aggregate classification.
Comment: This variant is classified as likely benign based on ACMG/AMP sequence variant interpretation guidelines (Richards et al. 2015 PMID: 25741868, with internal and published modifications).